The following is an entry in ClinVar:

ClinVar aggregate classification (germline): Conflicting classifications of pathogenicity. Review status: criteria provided, conflicting classifications (1 of 4 stars). 4 submissions from 4 submitters: Likely pathogenic (1); Uncertain significance (3). Last evaluated 2026-06-02.

Conditions:
Autosomal recessive limb-girdle muscular dystrophy. Identifiers: Orphanet 102015, MedGen C2931907, MONDO:0015152.
Neuromuscular disease caused by qualitative or quantitative defects of dysferlin. Also called: Qualitative or quantitative defects of dysferlin; Dysferlinopathy. Identifiers: Orphanet 207073, MedGen C2931687, MONDO:0016145.

gnomAD v4.1: 2 of 1,614,042 alleles (0.00012%); highest among the groups gnomAD compares: Non-Finnish European, 0.00017%; no homozygotes.

Submissions (4):

Myriad Genetics, Inc.
Classification: Uncertain significance for Autosomal recessive limb-girdle muscular dystrophy. Last evaluated: 2026-06-02. Review status: criteria provided, single submitter. Criteria: Myriad Autosomal Dominant, Autosomal Recessive and X-Linked Classification Criteria (2023). Collection method: clinical testing. Allele origin: unknown.
Comment: NM_003494.3(DYSF):c.3022G>C(D1008H) is a missense variant classified as a variant of uncertain significance in the context of dysferlinopathy. D1008H has not been observed in cases with relevant disease. Relevant functional assessments of this variant are not available in the literature. D1008H has not been observed in referenced population frequency databases. In summary, there is insufficient evidence to classify NM_003494.3(DYSF):c.3022G>C(D1008H) as pathogenic or benign. Please note: this variant was assessed in the context of healthy population screening.

Labcorp Genetics (formerly Invitae), Labcorp
Classification: Likely pathogenic for Neuromuscular disease caused by qualitative or quantitative defects of dysferlin. Last evaluated: 2023-09-08. Review status: criteria provided, single submitter. Criteria: Invitae Variant Classification Sherloc (09022015). Collection method: clinical testing. Allele origin: germline.
Comment: This variant is not present in population databases (gnomAD no frequency). This sequence change replaces aspartic acid, which is acidic and polar, with histidine, which is basic and polar, at codon 1008 of the DYSF protein (p.Asp1008His). This missense change has been observed in individual(s) with limb-girdle muscular dystrophy (Invitae). In at least one individual the data is consistent with being in trans (on the opposite chromosome) from a pathogenic variant. In summary, the currently available evidence indicates that the variant is pathogenic, but additional data are needed to prove that conclusively. Therefore, this variant has been classified as Likely Pathogenic. Advanced modeling of protein sequence and biophysical properties (such as structural, functional, and spatial information, amino acid conservation, physicochemical variation, residue mobility, and thermodynamic stability) performed at Invitae indicates that this missense variant is expected to disrupt DYSF protein function. ClinVar contains an entry for this variant (Variation ID: 2441128).

Blueprint Genetics
Classification: Uncertain significance. Last evaluated: 2021-05-18. Review status: criteria provided, single submitter. Criteria: ACMG Guidelines, 2015. Collection method: clinical testing. Allele origin: germline.

Revvity Omics, Revvity
Classification: Uncertain significance. Last evaluated: 2019-10-09. Review status: criteria provided, single submitter. Criteria: ACMG Guidelines, 2015. Collection method: clinical testing. Allele origin: germline.

NM_001130987.2(DYSF):c.3076G>C (p.Asp1026His)

Gene: DYSF (dysferlin; plus strand). Cytogenetic location: 2p13.2.
Variant type: single nucleotide variant.
Coding change: c.3076G>C on transcript NM_001130987.2 (MANE Select); coding-DNA position 3076, G replaced by C.
Protein change: p.Asp1026His; replaces aspartic acid 1026 with histidine.
Molecular consequence: missense variant.
Genome position (GRCh38, 1-based): chr2:71,570,325, G>C. VCF-style: chr2-71570325-G-C. GRCh37 (hg19) VCF-style: chr2-71797455-G-C.
Other names: c.3073G>C, p.Asp1025His (NM_001130980.2, NM_001130981.2); c.3118G>C, p.Asp1040His (NM_001130982.2); c.3025G>C, p.Asp1009His (NM_001130983.2, NM_001130455.2); c.2983G>C, p.Asp995His (NM_001130984.2, NM_001130986.2); c.3076G>C, p.Asp1026His (NM_001130985.2); c.3022G>C, p.Asp1008His (NM_003494.4, NM_001130978.2); c.2980G>C, p.Asp994His (NM_001130976.2, NM_001130977.2); c.3115G>C, p.Asp1039His (NM_001130979.2); short protein forms D1008H, D1009H, D1025H, D1026H, D1039H, D1040H, D994H, D995H.
Identifiers: ClinVar variation 2441128 (VCV002441128.8), dbSNP rs200943384, ClinGen allele CA347216793.